The following is an entry in ClinVar:

ClinVar aggregate classification (germline): Uncertain significance (1 of 4 stars; one submission).

Conditions:
Inflammatory bowel disease 28. Also called: Inflammatory bowel disease 28, early onset, autosomal recessive. Identifiers: Orphanet 238569, MedGen C2751053, MONDO:0013153, OMIM 613148.

Allele frequency attached by ClinVar (database versions not stated): gnomAD exomes below 0.00001.

Submission:

Labcorp Genetics (formerly Invitae), Labcorp
Classification: Uncertain significance for Inflammatory bowel disease 28. Last evaluated: 2023-10-13. Review status: criteria provided, single submitter. Criteria: Invitae Variant Classification Sherloc (09022015). Collection method: clinical testing. Allele origin: germline.
Comment: This sequence change replaces serine, which is neutral and polar, with asparagine, which is neutral and polar, at codon 364 of the IL10RA protein (p.Ser364Asn). This variant is not present in population databases (gnomAD no frequency). This variant has not been reported in the literature in individuals affected with IL10RA-related conditions. ClinVar contains an entry for this variant (Variation ID: 1903154). Advanced modeling of protein sequence and biophysical properties (such as structural, functional, and spatial information, amino acid conservation, physicochemical variation, residue mobility, and thermodynamic stability) has been performed at Invitae for this missense variant, however the output from this modeling did not meet the statistical confidence thresholds required to predict the impact of this variant on IL10RA protein function. In summary, the available evidence is currently insufficient to determine the role of this variant in disease. Therefore, it has been classified as a Variant of Uncertain Significance.

NM_001558.4(IL10RA):c.1091G>A (p.Ser364Asn)

Gene: IL10RA (interleukin 10 receptor subunit alpha; plus strand). Cytogenetic location: 11q23.3.
Variant type: single nucleotide variant.
Coding change: c.1091G>A on transcript NM_001558.4 (MANE Select); coding-DNA position 1091, G replaced by A.
Protein change: p.Ser364Asn; replaces serine 364 with asparagine.
Molecular consequence: missense variant. On other transcripts: non-coding transcript variant (1).
Genome position (GRCh38, 1-based): chr11:117,998,995, G>A. VCF-style: chr11-117998995-G-A. GRCh37 (hg19) VCF-style: chr11-117869710-G-A.
Other names: short protein forms S364N.
Identifiers: ClinVar variation 1903154 (VCV001903154.4), dbSNP rs900481172, ClinGen allele CA229449047.